The following is an entry in ClinVar:

ClinVar aggregate classification (germline): Uncertain significance (1 of 4 stars; one submission).

Conditions:
Frontotemporal dementia and/or amyotrophic lateral sclerosis 1 (FTDALS1). Also called: C9orf72 Frontotemporal Dementia and/or Amyotrophic Lateral Sclerosis; Frontotemporal dementia with motor neuron disease 1. Identifiers: Orphanet 275872, MedGen C5779877, MONDO:0007105, OMIM 105550.
Paget disease of bone 2, early-onset (PDB2). Also called: Paget disease of bone 2. Identifiers: MedGen C4085251, MONDO:0011183, OMIM 602080.

Submission:

Labcorp Genetics (formerly Invitae), Labcorp
Classification: Uncertain significance for Paget disease of bone 2, early-onset; Frontotemporal dementia and/or amyotrophic lateral sclerosis 1. Last evaluated: 2019-01-01. Review status: criteria provided, single submitter. Criteria: Invitae Variant Classification Sherloc (09022015). Collection method: clinical testing. Allele origin: germline.
Comment: In summary, the available evidence is currently insufficient to determine the role of this variant in disease. Therefore, it has been classified as a Variant of Uncertain Significance. Algorithms developed to predict the effect of missense changes on protein structure and function are either unavailable or do not agree on the potential impact of this missense change (SIFT: "Deleterious"; PolyPhen-2: "Benign"; Align-GVGD: "Class C0"). This variant has not been reported in the literature in individuals with SQSTM1-related conditions. This variant is not present in population databases (ExAC no frequency). This sequence change replaces proline with leucine at codon 208 of the SQSTM1 protein (p.Pro208Leu). The proline residue is highly conserved and there is a moderate physicochemical difference between proline and leucine.

NM_003900.5(SQSTM1):c.623C>T (p.Pro208Leu)

Gene: SQSTM1 (sequestosome 1; plus strand). Cytogenetic location: 5q35.3.
Variant type: single nucleotide variant.
Coding change: c.623C>T on transcript NM_003900.5 (MANE Select); coding-DNA position 623, C replaced by T.
Protein change: p.Pro208Leu; replaces proline 208 with leucine.
Molecular consequence: missense variant.
Genome position (GRCh38, 1-based): chr5:179,824,273, C>T. VCF-style: chr5-179824273-C-T. GRCh37 (hg19) VCF-style: chr5-179251273-C-T.
Other names: c.371C>T, p.Pro124Leu (NM_001142298.2, NM_001142299.2); short protein forms P124L, P208L.
Identifiers: ClinVar variation 853809 (VCV000853809.9), dbSNP rs1757909856, ClinGen allele CA362445867.